The following is an entry in ClinVar:

ClinVar aggregate classification (germline): Likely benign. Review status: criteria provided, multiple submitters, no conflicts (2 of 4 stars). 2 submissions from 2 submitters: Likely benign (2). Last evaluated 2025-11-01.

gnomAD v4.1: 4 of 1,614,072 alleles (0.00025%); highest among the groups gnomAD compares: East Asian, 0.0089%; no homozygotes.

Submissions (2):

CeGaT Center for Human Genetics Tuebingen
Classification: Likely benign. Last evaluated: 2025-11-01. Review status: criteria provided, single submitter. Criteria: CeGaT Center For Human Genetics Tuebingen Variant Classification Criteria Version 2. Collection method: clinical testing. Allele origin: germline. Affected: yes. Observed: 1 variant allele.
Comment: SYNE1: BP4, BP7

Blueprint Genetics
Classification: Likely benign. Last evaluated: 2023-12-07. Review status: criteria provided, single submitter. Criteria: ACMG Guidelines, 2015. Collection method: clinical testing. Allele origin: germline.

NM_182961.4(SYNE1):c.6441C>T (p.Ser2147=)

Gene: SYNE1 (spectrin repeat containing nuclear envelope protein 1; minus strand). Cytogenetic location: 6q25.2.
Variant type: single nucleotide variant.
Coding change: c.6441C>T on transcript NM_182961.4 (MANE Select); coding-DNA position 6441, C replaced by T.
Protein change: p.Ser2147=; no amino-acid change (serine 2147 retained).
Molecular consequence: synonymous variant.
Genome position (GRCh38, 1-based): chr6:152,409,167, G>A on the plus strand (C>T on the coding strand, the complement: SYNE1 is on the minus strand). VCF-style: chr6-152409167-G-A. GRCh37 (hg19) VCF-style: chr6-152730302-G-A.
Other names: c.6462C>T, p.Ser2154= (NM_033071.5).
Identifiers: ClinVar variation 4535331 (VCV004535331.7).